The following is an entry in ClinVar:

ClinVar aggregate classification (germline): Pathogenic (1 of 4 stars; one submission).

Conditions:
Familial dysautonomia. Also called: HSAN III; FD. Identifiers: Orphanet 1764, MedGen C0013364, MONDO:0009131, OMIM 223900. Disease mechanism: loss of function.

Submission:

Myriad Genetics, Inc.
Classification: Pathogenic for Familial dysautonomia. Last evaluated: 2023-09-27. Review status: criteria provided, single submitter. Criteria: Myriad Autosomal Dominant, Autosomal Recessive and X-Linked Classification Criteria (2023). Collection method: clinical testing. Allele origin: unknown.
Comment: NM_003640.3(ELP1):c.270dupA(D91Rfs*30) is expected to be pathogenic in the context of familial dysautonomia. This variant is predicted to lead to an abnormal or absent protein product due to the creation of a premature termination codon in ELP1, a gene where loss-of-function variants are known to be pathogenic. Please note: this variant was assessed in the context of healthy population screening.

NM_003640.5(ELP1):c.270dup (p.Asp91fs)

Gene: ELP1 (elongator acetyltransferase complex subunit 1; minus strand). Cytogenetic location: 9q31.3.
Variant type: Duplication.
Coding change: c.270dup on transcript NM_003640.5 (MANE Select); coding-DNA position 270, one base duplicated (A; older notation c.270dupA).
Protein change: p.Asp91fs; shifts the reading frame from aspartic acid 91.
Molecular consequence: frameshift variant. On other transcripts: 5 prime UTR variant (2).
Genome position (GRCh38, 1-based): chr9:108,929,802, T duplicated on the plus strand (A on the coding strand, the reverse complement: ELP1 is on the minus strand). VCF-style (leftmost placement, unchanged base first): chr9-108929801-C-CT. GRCh37 (hg19) VCF-style: chr9-111692081-C-CT.
Other names: c.-73dup (NM_001318360.2); c.-590dup (NM_001330749.2); short protein forms D91fs.
Identifiers: ClinVar variation 5012019 (VCV005012019.1).